The following is an entry in ClinVar:

ClinVar aggregate classification (germline): Pathogenic/Likely pathogenic. Review status: criteria provided, multiple submitters, no conflicts (2 of 4 stars). 3 submissions from 3 submitters: Pathogenic (1); Likely pathogenic (2). Last evaluated 2024-04-04.

Conditions:
Usher syndrome type 1D (USH1D). Also called: USHER SYNDROME, TYPE ID. Identifiers: Orphanet 231169, Orphanet 886, MedGen C1832845, MONDO:0010984, OMIM 601067.
Usher syndrome type 1F (USH1F). Also called: USHER SYNDROME, TYPE IF. Identifiers: Orphanet 231169, Orphanet 886, MedGen C1865885, MONDO:0011186, OMIM 602083.
Autosomal recessive nonsyndromic hearing loss 23. Identifiers: Orphanet 90636, MedGen C1836027, MONDO:0012293, OMIM 609533.

Submissions (3):

Fulgent Genetics
Classification: Likely pathogenic for Usher syndrome type 1D; Usher syndrome type 1F; Autosomal recessive nonsyndromic hearing loss 23. Last evaluated: 2024-04-04. Review status: criteria provided, single submitter. Criteria: ACMG Guidelines, 2015. Collection method: clinical testing. Allele origin: germline.

Baylor Genetics
Classification: Likely pathogenic for Autosomal recessive nonsyndromic hearing loss 23. Last evaluated: 2023-02-24. Review status: criteria provided, single submitter. Criteria: ACMG Guidelines, 2015. Collection method: clinical testing. Allele origin: unknown.

Labcorp Genetics (formerly Invitae), Labcorp
Classification: Pathogenic. Last evaluated: 2022-10-31. Review status: criteria provided, single submitter. Criteria: Invitae Variant Classification Sherloc (09022015). Collection method: clinical testing. Allele origin: germline.
Comment: This sequence change creates a premature translational stop signal (p.Glu1013*) in the PCDH15 gene. It is expected to result in an absent or disrupted protein product. Loss-of-function variants in PCDH15 are known to be pathogenic (PMID: 11398101, 11487575, 14570705). This variant is not present in population databases (gnomAD no frequency). This variant has not been reported in the literature in individuals affected with PCDH15-related conditions. For these reasons, this variant has been classified as Pathogenic.

Literature cited by the submitters: PubMed 11398101 (cited by Labcorp Genetics (formerly Invitae), Labcorp); PubMed 11487575 (cited by Labcorp Genetics (formerly Invitae), Labcorp); PubMed 14570705 (cited by Labcorp Genetics (formerly Invitae), Labcorp).

NM_001384140.1(PCDH15):c.3037G>T (p.Glu1013Ter)

Gene: PCDH15 (protocadherin related 15; minus strand). Cytogenetic location: 10q21.1.
Variant type: single nucleotide variant.
Coding change: c.3037G>T on transcript NM_001384140.1 (MANE Select); coding-DNA position 3037, G replaced by T.
Protein change: p.Glu1013Ter; replaces glutamic acid 1013 with a stop codon.
Molecular consequence: nonsense.
Genome position (GRCh38, 1-based): chr10:53,959,817, C>A on the plus strand (G>T on the coding strand, the complement: PCDH15 is on the minus strand). VCF-style: chr10-53959817-C-A. GRCh37 (hg19) VCF-style: chr10-55719577-C-A.
Other names: c.3037G>T (NM_033056.3); c.3052G>T, p.Glu1018Ter (NM_001142763.2, NM_001142771.2); c.3037G>T, p.Glu1013Ter (NM_001142764.2, NM_001142766.2, NM_001142770.3 and 4 more transcripts); c.2824G>T, p.Glu942Ter (NM_001142765.2); c.2926G>T, p.Glu976Ter (NM_001142767.2); c.2971G>T, p.Glu991Ter (NM_001142768.2, NM_001142773.2, NM_001354404.2); c.3073G>T, p.Glu1025Ter (NM_001142769.4); c.3058G>T, p.Glu1020Ter (NM_001354411.2); short protein forms E1013*, E1018*, E1020*, E1025*, E942*, E976*, E991*.
Identifiers: ClinVar variation 2677562 (VCV002677562.5), dbSNP rs2495078256, ClinGen allele CA376521100.